The following is an entry in ClinVar:

NM_033026.6(PCLO):c.8350A>G (p.Ile2784Val)

Gene: PCLO (piccolo presynaptic cytomatrix protein; minus strand). Cytogenetic location: 7q21.11.
Variant type: single nucleotide variant.
Coding change: c.8350A>G on transcript NM_033026.6 (MANE Select); coding-DNA position 8350, A replaced by G.
Protein change: p.Ile2784Val; replaces isoleucine 2784 with valine.
Molecular consequence: missense variant.
Genome position (GRCh38, 1-based): chr7:82,952,603, T>C on the plus strand (A>G on the coding strand, the complement: PCLO is on the minus strand). VCF-style: chr7-82952603-T-C. GRCh37 (hg19) VCF-style: chr7-82581919-T-C.
Other names: c.8350A>G, p.Ile2784Val (NM_014510.3); c.8350A>G (NM_033026.5); short protein forms I2784V.
Identifiers: ClinVar variation 1517762 (VCV001517762.5), dbSNP rs376416924, ClinGen allele CA4320135.

ClinVar aggregate classification (germline): Conflicting classifications of pathogenicity. Review status: criteria provided, conflicting classifications (1 of 4 stars). 3 submissions from 3 submitters: Uncertain significance (2); Likely benign (1). Last evaluated 2025-01-18.

Conditions:
Inborn genetic diseases. Identifiers: MedGen C0950123, MeSH D030342.

Allele frequency attached by ClinVar (database versions not stated): ExAC 0.00004; gnomAD exomes 0.00005; ESP Exome Variant Server 0.00008; gnomAD 0.00017 and 0.00019; TOPMed 0.00022.
gnomAD v4.1: 93 of 1,613,822 alleles (0.0058%); highest among the groups gnomAD compares: African/African-American, 0.045%; no homozygotes.

Submissions (3):

Ambry Genetics
Classification: Likely benign for Inborn genetic diseases. Last evaluated: 2025-01-18. Review status: criteria provided, single submitter. Criteria: Ambry Variant Classification Scheme 2023. Collection method: clinical testing. Allele origin: germline.

Labcorp Genetics (formerly Invitae), Labcorp
Classification: Uncertain significance. Last evaluated: 2022-11-01. Review status: criteria provided, single submitter. Criteria: Invitae Variant Classification Sherloc (09022015). Collection method: clinical testing. Allele origin: germline.
Comment: This sequence change replaces isoleucine, which is neutral and non-polar, with valine, which is neutral and non-polar, at codon 2784 of the PCLO protein (p.Ile2784Val). This variant is present in population databases (rs376416924, gnomAD 0.04%). This variant has not been reported in the literature in individuals affected with PCLO-related conditions. ClinVar contains an entry for this variant (Variation ID: 1517762). Algorithms developed to predict the effect of missense changes on protein structure and function output the following: SIFT: "Tolerated"; PolyPhen-2: "Not Available"; Align-GVGD: "Class C0". The valine amino acid residue is found in multiple mammalian species, which suggests that this missense change does not adversely affect protein function. In summary, the available evidence is currently insufficient to determine the role of this variant in disease. Therefore, it has been classified as a Variant of Uncertain Significance.

Breakthrough Genomics
Classification: Uncertain significance. Review status: criteria provided, single submitter. Criteria: ACMG Guidelines, 2015. Collection method: not provided. Allele origin: germline. Inheritance: Autosomal recessive inheritance. Affected: yes.